The following is an entry in ClinVar:

ClinVar aggregate classification (germline): Uncertain significance (1 of 4 stars; one submission).

Allele frequency attached by ClinVar (database versions not stated): gnomAD exomes below 0.00001 and 0.00002; ExAC 0.00001; TOPMed 0.00001.
gnomAD v4.1: 24 of 1,613,948 alleles (0.0015%); highest among the groups gnomAD compares: Non-Finnish European, 0.002%; no homozygotes.

Submission:

Labcorp Genetics (formerly Invitae), Labcorp
Classification: Uncertain significance. Last evaluated: 2021-08-26. Review status: criteria provided, single submitter. Criteria: Invitae Variant Classification Sherloc (09022015). Collection method: clinical testing. Allele origin: germline.
Comment: This sequence change replaces alanine with serine at codon 467 of the USH1C protein (p.Ala467Ser). The alanine residue is highly conserved and there is a moderate physicochemical difference between alanine and serine. This variant is present in population databases (rs747220783, ExAC 0.002%). This variant has not been reported in the literature in individuals affected with USH1C-related conditions. Algorithms developed to predict the effect of missense changes on protein structure and function are either unavailable or do not agree on the potential impact of this missense change (SIFT: "Deleterious"; PolyPhen-2: "Benign"; Align-GVGD: "Class C0"). In summary, the available evidence is currently insufficient to determine the role of this variant in disease. Therefore, it has been classified as a Variant of Uncertain Significance.

NM_153676.4(USH1C):c.2299G>T (p.Ala767Ser)

Gene: USH1C (USH1 protein network component harmonin; minus strand). Cytogenetic location: 11p15.1.
Variant type: single nucleotide variant.
Coding change: c.2299G>T on transcript NM_153676.4 (MANE Select); coding-DNA position 2299, G replaced by T.
Protein change: p.Ala767Ser; replaces alanine 767 with serine.
Molecular consequence: missense variant. On other transcripts: non-coding transcript variant (1).
Genome position (GRCh38, 1-based): chr11:17,501,132, C>A on the plus strand (G>T on the coding strand, the complement: USH1C is on the minus strand). VCF-style: chr11-17501132-C-A. GRCh37 (hg19) VCF-style: chr11-17522679-C-A.
Other names: c.1342G>T, p.Ala448Ser (NM_001297764.2); c.1399G>T, p.Ala467Ser (NM_005709.4); short protein forms A767S, A448S, A467S.
Identifiers: ClinVar variation 1421433 (VCV001421433.5), dbSNP rs747220783, ClinGen allele CA5904222.